The following is an entry in ClinVar:

ClinVar aggregate classification (germline): Likely benign (0 of 4 stars; one submission).

Conditions:
CSMD3-related disorder. Also called: CSMD3-related condition.

Allele frequency attached by ClinVar (database versions not stated): gnomAD exomes below 0.00001; ExAC 0.00001; gnomAD 0.00003; TOPMed 0.00003.
gnomAD v4.1: 6 of 1,591,566 alleles (0.00038%); highest among the groups gnomAD compares: African/African-American, 0.0067%; no homozygotes.

Submission:

PreventionGenetics, part of Exact Sciences
Classification: Likely benign for CSMD3-related condition. Last evaluated: 2019-06-21. Review status: no assertion criteria provided. Collection method: clinical testing. Allele origin: germline.
Comment: This variant is classified as likely benign based on ACMG/AMP sequence variant interpretation guidelines (Richards et al. 2015 PMID: 25741868, with internal and published modifications).

NM_198123.2(CSMD3):c.515-8T>C

Gene: CSMD3 (CUB and Sushi multiple domains 3; minus strand). Cytogenetic location: 8q23.3.
Variant type: single nucleotide variant.
Coding change: c.515-8T>C on transcript NM_198123.2 (MANE Select); 8 bases into the intron before coding-DNA position 515, T replaced by C.
Molecular consequence: intron variant.
Genome position (GRCh38, 1-based): chr8:113,173,924, A>G on the plus strand (T>C on the coding strand, the complement: CSMD3 is on the minus strand). VCF-style: chr8-113173924-A-G. GRCh37 (hg19) VCF-style: chr8-114186153-A-G.
Other names: c.515-8T>C (NM_001363185.1, NM_052900.3); c.395-8T>C (NM_198124.2).
Identifiers: ClinVar variation 3042734 (VCV003042734.2), dbSNP rs781116854, ClinGen allele CA4851202.